The following is an entry in ClinVar:

ClinVar aggregate classification (germline): Uncertain significance (1 of 4 stars; one submission).

Allele frequency attached by ClinVar (database versions not stated): gnomAD exomes below 0.00001.
gnomAD v4.1: 2 of 1,614,162 alleles (0.00012%); highest among the groups gnomAD compares: South Asian, 0.0022%; no homozygotes.

Submission:

Labcorp Genetics (formerly Invitae), Labcorp
Classification: Uncertain significance. Last evaluated: 2021-02-02. Review status: criteria provided, single submitter. Criteria: Invitae Variant Classification Sherloc (09022015). Collection method: clinical testing. Allele origin: germline.
Comment: In summary, the available evidence is currently insufficient to determine the role of this variant in disease. Therefore, it has been classified as a Variant of Uncertain Significance. Advanced modeling of protein sequence and biophysical properties (such as structural, functional, and spatial information, amino acid conservation, physicochemical variation, residue mobility, and thermodynamic stability) performed at Invitae indicates that this missense variant is expected to disrupt ABCA4 protein function. This variant has not been reported in the literature in individuals with ABCA4-related conditions. This variant is not present in population databases (ExAC no frequency). This sequence change replaces proline with serine at codon 402 of the ABCA4 protein (p.Pro402Ser). The proline residue is highly conserved and there is a moderate physicochemical difference between proline and serine.

NM_000350.3(ABCA4):c.1204C>T (p.Pro402Ser)

Gene: ABCA4 (ATP binding cassette subfamily A member 4; minus strand). Cytogenetic location: 1p22.1.
Variant type: single nucleotide variant.
Coding change: c.1204C>T on transcript NM_000350.3 (MANE Select); coding-DNA position 1204, C replaced by T.
Protein change: p.Pro402Ser; replaces proline 402 with serine.
Molecular consequence: missense variant.
Genome position (GRCh38, 1-based): chr1:94,079,357, G>A on the plus strand (C>T on the coding strand, the complement: ABCA4 is on the minus strand). VCF-style: chr1-94079357-G-A. GRCh37 (hg19) VCF-style: chr1-94544913-G-A.
Other names: c.1204C>T, p.Pro402Ser (NM_001425324.1); short protein forms P402S.
Identifiers: ClinVar variation 1506683 (VCV001506683.8), dbSNP rs1281131866, ClinGen allele CA341283320.
Genomic context (GRCh38, chr1:94,079,357, plus strand): 5'-AAGGCAAGCCCAGCTGGGATCTTACATTCTTCAGTATCCTTCGTGCTGCAGGTGAATCAG[G>A]AGTGTACAGGATTTTTCCCATCAGCAAAGGCTTTGCCGCCCTCCAAGCGATTTTGGTTAA-3'
Protein context (NP_000341.2, residues 392-412): PLLMGKILYT[Pro402Ser]DSPAARRILK